The following is an entry in ClinVar:

NM_001005361.3(DNM2):c.2309G>A (p.Arg770Gln)

Gene: DNM2 (dynamin 2; plus strand). Cytogenetic location: 19p13.2.
Variant type: single nucleotide variant.
Coding change: c.2309G>A on transcript NM_001005361.3 (MANE Select); coding-DNA position 2309, G replaced by A.
Protein change: p.Arg770Gln; replaces arginine 770 with glutamine.
Molecular consequence: missense variant.
Genome position (GRCh38, 1-based): chr19:10,830,144, G>A. VCF-style: chr19-10830144-G-A. GRCh37 (hg19) VCF-style: chr19-10940820-G-A.
Other names: c.2309G>A, p.Arg770Gln (NM_001005360.3, NM_001190716.2); c.2297G>A, p.Arg766Gln (NM_001005362.3, NM_004945.4); short protein forms R766Q, R770Q.
Identifiers: ClinVar variation 1437218 (VCV001437218.11), dbSNP rs768817257, ClinGen allele CA9201587.

ClinVar aggregate classification (germline): Conflicting classifications of pathogenicity. Review status: criteria provided, conflicting classifications (1 of 4 stars). 3 submissions from 3 submitters: Uncertain significance (2); Likely benign (1). Last evaluated 2025-09-03.

Conditions:
DNM2-related disorder. Also called: DNM2-related condition.
Inborn genetic diseases. Identifiers: MedGen C0950123, MeSH D030342.
Charcot-Marie-Tooth disease dominant intermediate B (CMTDIB). Also called: CHARCOT-MARIE-TOOTH NEUROPATHY, DOMINANT INTERMEDIATE B; Charcot-Marie-Tooth disease dominant intermediate 1; CMT DI1; Charcot-Marie-Tooth disease dominant intermediate I. Identifiers: Orphanet 100044, Orphanet 228179, MedGen C1847902, MONDO:0011674, OMIM 606482.

Allele frequency attached by ClinVar (database versions not stated): gnomAD 0.00002 and 0.00003; gnomAD exomes 0.00002; ExAC 0.00003; TOPMed 0.00003.
gnomAD v4.1: 26 of 1,613,654 alleles (0.0016%); highest among the groups gnomAD compares: African/African-American, 0.004%; no homozygotes.

Submissions (3):

PreventionGenetics, part of Exact Sciences
Classification: Uncertain significance for DNM2-related condition. Last evaluated: 2025-09-03. Review status: criteria provided, single submitter. Criteria: ACMG Guidelines, 2015. Collection method: clinical testing. Allele origin: germline.
Comment: The DNM2 c.2309G>A variant is predicted to result in the amino acid substitution p.Arg770Gln. To our knowledge, this variant has not been reported in the literature. This variant is reported in 0.0047% of alleles in individuals of European (non-Finnish) descent in gnomAD. At this time, the clinical significance of this variant is uncertain due to the absence of conclusive functional and genetic evidence.

Labcorp Genetics (formerly Invitae), Labcorp
Classification: Uncertain significance for Charcot-Marie-Tooth disease dominant intermediate B. Last evaluated: 2024-05-21. Review status: criteria provided, single submitter. Criteria: Invitae Variant Classification Sherloc (09022015). Collection method: clinical testing. Allele origin: germline.
Comment: This sequence change replaces arginine, which is basic and polar, with glutamine, which is neutral and polar, at codon 770 of the DNM2 protein (p.Arg770Gln). This variant is present in population databases (rs768817257, gnomAD 0.005%). This variant has not been reported in the literature in individuals affected with DNM2-related conditions. ClinVar contains an entry for this variant (Variation ID: 1437218). Advanced modeling of protein sequence and biophysical properties (such as structural, functional, and spatial information, amino acid conservation, physicochemical variation, residue mobility, and thermodynamic stability) has been performed at Invitae for this missense variant, however the output from this modeling did not meet the statistical confidence thresholds required to predict the impact of this variant on DNM2 protein function. In summary, the available evidence is currently insufficient to determine the role of this variant in disease. Therefore, it has been classified as a Variant of Uncertain Significance.

Ambry Genetics
Classification: Likely benign for Inborn genetic diseases. Last evaluated: 2020-06-25. Review status: criteria provided, single submitter. Criteria: Ambry Variant Classification Scheme 2023. Collection method: clinical testing. Allele origin: germline.